The following is an entry in ClinVar:

ClinVar aggregate classification (germline): Uncertain significance (0 of 4 stars; one submission).

Conditions:
TBX3-related disorder. Also called: TBX3-related condition.

gnomAD v4.1: 8 of 1,572,458 alleles (0.00051%); highest among the groups gnomAD compares: Non-Finnish European, 0.00069%; no homozygotes.

Submission:

PreventionGenetics, part of Exact Sciences
Classification: Uncertain significance for TBX3-related condition. Last evaluated: 2024-07-25. Review status: no assertion criteria provided. Collection method: clinical testing. Allele origin: germline.
Comment: The TBX3 c.1113C>A variant is predicted to result in the amino acid substitution p.Ser371Arg. To our knowledge, this variant has not been reported in the literature. This variant is reported in 0.0012% of alleles in individuals of European (Non-Finnish) descent in gnomAD. At this time, the clinical significance of this variant is uncertain due to the absence of conclusive functional and genetic evidence.

NM_005996.4(TBX3):c.1053C>A (p.Ser351Arg)

Gene: TBX3 (T-box transcription factor 3; minus strand). Cytogenetic location: 12q24.21.
Variant type: single nucleotide variant.
Coding change: c.1053C>A on transcript NM_005996.4 (MANE Select); coding-DNA position 1053, C replaced by A.
Protein change: p.Ser351Arg; replaces serine 351 with arginine.
Molecular consequence: missense variant.
Genome position (GRCh38, 1-based): chr12:114,674,822, G>T on the plus strand (C>A on the coding strand, the complement: TBX3 is on the minus strand). VCF-style: chr12-114674822-G-T. GRCh37 (hg19) VCF-style: chr12-115112627-G-T.
Other names: c.1113C>A, p.Ser371Arg (NM_016569.4); short protein forms S351R, S371R.
Identifiers: ClinVar variation 3356195 (VCV003356195.1).